The following is an entry in ClinVar:

NM_004667.6(HERC2):c.1827G>A (p.Ala609=)

Gene: HERC2 (HECT and RLD domain containing E3 ubiquitin protein ligase 2; minus strand). Cytogenetic location: 15q13.1.
Variant type: single nucleotide variant.
Coding change: c.1827G>A on transcript NM_004667.6 (MANE Select); coding-DNA position 1827, G replaced by A.
Protein change: p.Ala609=; no amino-acid change (alanine 609 retained).
Molecular consequence: synonymous variant.
Genome position (GRCh38, 1-based): chr15:28,265,661, C>T on the plus strand (G>A on the coding strand, the complement: HERC2 is on the minus strand). VCF-style: chr15-28265661-C-T. GRCh37 (hg19) VCF-style: chr15-28510807-C-T.
Identifiers: ClinVar variation 4821951 (VCV004821951.4).
Genomic context (GRCh38, chr15:28,265,661, plus strand): 5'-GCGAGAGCTCTACGTACCGTTCTCAGTGACAGCCAGGGTTTGAGCATCCCCACTCCCACA[C>T]GCCACATCGATGACCTTCAGTCCTTTAAGCCCGGCTACCAGCATCGGAATGGCCTCGTCC-3'
Protein context (NP_004658.3, residues 599-619): GLKGLKVIDV[Ala609=]CGSGDAQTLA

ClinVar aggregate classification (germline): Likely benign (1 of 4 stars; one submission).

gnomAD v4.1: 19 of 1,614,070 alleles (0.0012%); highest among the groups gnomAD compares: East Asian, 0.0045%; no homozygotes.

Submission:

CeGaT Center for Human Genetics Tuebingen
Classification: Likely benign. Last evaluated: 2026-01-01. Review status: criteria provided, single submitter. Criteria: CeGaT Center For Human Genetics Tuebingen Variant Classification Criteria Version 2. Collection method: clinical testing. Allele origin: germline. Affected: yes. Observed: 1 variant allele.
Comment: HERC2: BP4, BP7